The following is an entry in ClinVar:

NM_003680.4(YARS1):c.122G>A (p.Gly41Glu)

Gene: YARS1 (tyrosyl-tRNA synthetase 1; minus strand). Cytogenetic location: 1p35.1.
Variant type: single nucleotide variant.
Coding change: c.122G>A on transcript NM_003680.4 (MANE Select); coding-DNA position 122, G replaced by A.
Protein change: p.Gly41Glu; replaces glycine 41 with glutamic acid.
Molecular consequence: missense variant.
Genome position (GRCh38, 1-based): chr1:32,810,993, C>T on the plus strand (G>A on the coding strand, the complement: YARS1 is on the minus strand). VCF-style: chr1-32810993-C-T. GRCh37 (hg19) VCF-style: chr1-33276594-C-T.
Other names: short protein forms G41E.
Identifiers: ClinVar variation 665512 (VCV000665512.9), dbSNP rs1569778143, ClinGen allele CA339687695.
Genomic context (GRCh38, chr1:32,810,993, plus strand): 5'-TCTGCAATCTTTGACATGGGCACAAAGTAAGCCACATGTGGTTTGCCCGTGGTTGCCGTT[C>T]CCCAGTAAATTTTAAGTTCCCGCTCCTTCAGTATCTCCTTCAGCTTCTCTTCCCCCAGAA-3'
Protein context (NP_003671.1, residues 31-51): LKERELKIYW[Gly41Glu]TATTGKPHVA

ClinVar aggregate classification (germline): Uncertain significance. Review status: criteria provided, multiple submitters, no conflicts (2 of 4 stars). 2 submissions from 2 submitters: Uncertain significance (2). Last evaluated 2021-10-12.

Conditions:
Inborn genetic diseases. Identifiers: MedGen C0950123, MeSH D030342.
Charcot-Marie-Tooth disease dominant intermediate C (CMTDIC). Also called: CHARCOT-MARIE-TOOTH NEUROPATHY, DOMINANT INTERMEDIATE C. Identifiers: Orphanet 100045, MedGen C1842237, MONDO:0012012, OMIM 608323.

Submissions (2):

Ambry Genetics
Classification: Uncertain significance for Inborn genetic diseases. Last evaluated: 2021-10-12. Review status: criteria provided, single submitter. Criteria: Ambry Variant Classification Scheme 2023. Collection method: clinical testing. Allele origin: germline.
Comment: The p.G41E variant (also known as c.122G>A), located in coding exon 2 of the YARS gene, results from a G to A substitution at nucleotide position 122. The glycine at codon 41 is replaced by glutamic acid, an amino acid with similar properties. This amino acid position is conserved. In addition, this alteration is predicted to be deleterious by in silico analysis. Since supporting evidence is limited at this time, the clinical significance of this alteration remains unclear.

Labcorp Genetics (formerly Invitae), Labcorp
Classification: Uncertain significance for Charcot-Marie-Tooth disease dominant intermediate C. Last evaluated: 2018-08-15. Review status: criteria provided, single submitter. Criteria: Invitae Variant Classification Sherloc (09022015). Collection method: clinical testing. Allele origin: germline.
Comment: This sequence change replaces glycine with glutamic acid at codon 41 of the YARS protein (p.Gly41Glu). The glycine residue is highly conserved and there is a moderate physicochemical difference between glycine and glutamic acid. Variants that disrupt the p.Gly41 amino acid residue in YARS have been observed in affected individuals (PMID: 16429158). This suggests that it is a clinically significant residue, and that other variants that disrupt this residue are likely to be causative of disease. In summary, the available evidence is currently insufficient to determine the role of this variant in disease. Therefore, it has been classified as a Variant of Uncertain Significance. Algorithms developed to predict the effect of missense changes on protein structure and function (SIFT, PolyPhen-2, Align-GVGD) all suggest that this variant is likely to be disruptive, but these predictions have not been confirmed by published functional studies and their clinical significance is uncertain. This variant has not been reported in the literature in individuals with YARS-related disease. This variant is not present in population databases (ExAC no frequency).

Literature cited by the submitters: PubMed 16429158 (cited by Labcorp Genetics (formerly Invitae), Labcorp).